The following is an entry in ClinVar:

ClinVar aggregate classification (germline): Likely benign. Review status: criteria provided, multiple submitters, no conflicts (2 of 4 stars). 3 submissions from 3 submitters: Likely benign (2). 1 of the submissions does not count toward it. Last evaluated 2026-01-16.

Conditions:
BLM-related disorder. Also called: BLM-related condition.
Bloom syndrome (BLM). Also called: Bloom-Torre-Machacek syndrome. Identifiers: Orphanet 125, MedGen C0005859, MONDO:0008876, OMIM 210900.
Hereditary cancer-predisposing syndrome. Also called: Neoplastic Syndromes, Hereditary; Hereditary Cancer Syndrome; Tumor predisposition; Hereditary neoplastic syndrome. Identifiers: Orphanet 140162, MedGen C0027672, MeSH D009386, MONDO:0015356.

Allele frequency attached by ClinVar (database versions not stated): gnomAD 0.00001; TOPMed 0.00002; ESP Exome Variant Server 0.00008.
gnomAD v4.1: 14 of 1,613,626 alleles (0.00087%); highest among the groups gnomAD compares: Admixed American, 0.0017%; no homozygotes.

Submissions (3):

Labcorp Genetics (formerly Invitae), Labcorp
Classification: Likely benign for Bloom syndrome. Last evaluated: 2026-01-16. Review status: criteria provided, single submitter. Criteria: Invitae Variant Classification Sherloc (09022015). Collection method: clinical testing. Allele origin: germline.

Ambry Genetics
Classification: Likely benign for Hereditary cancer-predisposing syndrome. Last evaluated: 2019-01-21. Review status: criteria provided, single submitter. Criteria: Ambry Variant Classification Scheme 2023. Collection method: clinical testing. Allele origin: germline.

PreventionGenetics, part of Exact Sciences
Classification: Likely benign for BLM-related condition. Last evaluated: 2022-08-10. Review status: no assertion criteria provided. Collection method: clinical testing. Allele origin: germline. Not counted in ClinVar's aggregate classification.
Comment: This variant is classified as likely benign based on ACMG/AMP sequence variant interpretation guidelines (Richards et al. 2015 PMID: 25741868, with internal and published modifications).

NM_000057.4(BLM):c.2070G>A (p.Pro690=)

Gene: BLM (BLM RecQ like helicase; plus strand). Cytogenetic location: 15q26.1.
Variant type: single nucleotide variant.
Coding change: c.2070G>A on transcript NM_000057.4 (MANE Select); coding-DNA position 2070, G replaced by A.
Protein change: p.Pro690=; no amino-acid change (proline 690 retained).
Molecular consequence: synonymous variant.
Genome position (GRCh38, 1-based): chr15:90,763,153, G>A. VCF-style: chr15-90763153-G-A. GRCh37 (hg19) VCF-style: chr15-91306383-G-A.
Other names: c.2070G>A, p.Pro690= (NM_001287246.2, NM_001287247.2); c.945G>A, p.Pro315= (NM_001287248.2).
Identifiers: ClinVar variation 706213 (VCV000706213.17), dbSNP rs148078150, ClinGen allele CA7738639.